The following is an entry in ClinVar:

ClinVar aggregate classification (germline): Benign/Likely benign. Review status: criteria provided, multiple submitters, no conflicts (2 of 4 stars). 13 submissions from 13 submitters: Benign (11); Likely benign (1). 1 of the submissions does not count toward it. Last evaluated 2026-02-04.

Conditions:
Autosomal dominant Alport syndrome (ATS3A). Also called: ALPORT SYNDROME 3A, AUTOSOMAL DOMINANT; Alport syndrome dominant type; Renal failure and sensorineural hearing loss. Identifiers: Orphanet 63, Orphanet 88918, MedGen C5882663, MONDO:0007086, OMIM 104200.
Autosomal recessive Alport syndrome (ATS2). Also called: Alport syndrome type 2; ALPORT SYNDROME 2, AUTOSOMAL RECESSIVE; COL4A3-Related Nephropathy; COL4A4 Alport Syndrome and Thin Basement Membrane Nephropathy. Identifiers: Orphanet 63, Orphanet 88919, MedGen C4746745, MONDO:0008762, OMIM 203780.
Benign familial hematuria. Also called: thin basement membrane disease. Identifiers: MedGen C0241908, MONDO:0957317.
Alport syndrome. Also called: Hemorrhagic familial nephritis; Hemorrhagic hereditary nephritis; Congenital hereditary hematuria. Identifiers: Orphanet 63, MedGen C1567741, MONDO:0018965.

Allele frequency attached by ClinVar (database versions not stated): gnomAD 0.07775 and 0.07474; 1000 Genomes Project 0.10523; ESP Exome Variant Server 0.06809; gnomAD exomes 0.07877 and 0.09567; 1000 Genomes Project 30x 0.10415; TOPMed 0.08752; ExAC 0.09231.
gnomAD v4.1: 127,636 of 1,612,894 alleles (7.9%); highest among the groups gnomAD compares: Admixed American, 17%; 5,796 homozygotes.

Submissions (13):

Labcorp Genetics (formerly Invitae), Labcorp
Classification: Benign. Last evaluated: 2026-02-04. Review status: criteria provided, single submitter. Criteria: Invitae Variant Classification Sherloc (09022015). Collection method: clinical testing. Allele origin: germline.

Blueprint Genetics
Classification: Benign. Last evaluated: 2024-11-26. Review status: criteria provided, single submitter. Criteria: ACMG Guidelines, 2015. Collection method: clinical testing. Allele origin: germline.

Unidad de Genómica Garrahan, Hospital de Pediatría Garrahan
Classification: Benign. Last evaluated: 2024-07-15. Review status: criteria provided, single submitter. Criteria: ACMG Guidelines, 2015. Collection method: clinical testing. Allele origin: germline. Affected: no. Observed: 26 variant alleles.
Comment: This variant is classified as Benign based on local population frequency. This variant was detected in 28% of patients studied in a panel designed for Epileptic and Developmental Encephalopathy and Progressive Myoclonus Epilepsy. Number of patients: 26. Only high quality variants are reported.

Mayo Clinic Laboratories, Mayo Clinic
Classification: Benign. Last evaluated: 2022-03-09. Review status: criteria provided, single submitter. Criteria: ACMG Guidelines, 2015. Collection method: clinical testing. Allele origin: germline. Observed: 68 variant alleles.

Fulgent Genetics
Classification: Likely benign for Autosomal dominant Alport syndrome; Hematuria, benign familial, 1; Autosomal recessive Alport syndrome. Last evaluated: 2021-12-22. Review status: criteria provided, single submitter. Criteria: ACMG Guidelines, 2015. Collection method: clinical testing. Allele origin: unknown.

Genome-Nilou Lab
Classification: Benign for Autosomal recessive Alport syndrome. Last evaluated: 2021-06-10. Review status: criteria provided, single submitter. Criteria: ACMG Guidelines, 2015. Collection method: clinical testing. Allele origin: germline. Affected: no.

Athena Diagnostics
Classification: Benign. Last evaluated: 2021-05-24. Review status: criteria provided, single submitter. Criteria: Athena Diagnostics Criteria. Collection method: clinical testing. Allele origin: unknown.

Illumina Laboratory Services, Illumina
Classification: Benign for Alport syndrome. Last evaluated: 2018-01-12. Review status: criteria provided, single submitter. Criteria: ICSL Variant Classification Criteria 13 December 2019. Collection method: clinical testing. Allele origin: germline.
Comment: This variant was observed in the ICSL laboratory as part of a predisposition screen in an ostensibly healthy population. It had not been previously curated by ICSL or reported in the Human Gene Mutation Database (HGMD: prior to June 1st, 2018), and was therefore a candidate for classification through an automated scoring system. Utilizing variant allele frequency, disease prevalence and penetrance estimates, and inheritance mode, an automated score was calculated to assess if this variant is too frequent to cause the disease. Based on the score and internal cut-off values, a variant classified as benign is not then subjected to further curation. The score for this variant resulted in a classification of benign for this disease.

GeneDx
Classification: Benign. Last evaluated: 2017-08-22. Review status: criteria provided, single submitter. Criteria: GeneDx Variant Classification (06012015). Collection method: clinical testing. Allele origin: germline. Affected: yes.
Comment: This variant is considered likely benign or benign based on one or more of the following criteria: it is a conservative change, it occurs at a poorly conserved position in the protein, it is predicted to be benign by multiple in silico algorithms, and/or has population frequency not consistent with disease.

Laboratory for Molecular Medicine, Mass General Brigham Personalized Medicine
Classification: Benign. Last evaluated: 2016-03-21. Review status: criteria provided, single submitter. Criteria: LMM Criteria. Collection method: clinical testing. Allele origin: germline. Observed: 58 variant alleles.
Comment: p.Gly484Gly in exon 23 of COL4A3: This variant is not expected to have clinical significance because it does not alter an amino acid residue, is not located wit hin the splice consensus sequence, and has been identified in 17.66% (2037/11532 ) of Latino chromosomes by the Exome Aggregation Consortium (ExAC; dbSNP rs34019152).

Breakthrough Genomics
Classification: Benign. Review status: criteria provided, single submitter. Criteria: ACMG Guidelines, 2015. Collection method: not provided. Allele origin: germline. Inheritance: Autosomal recessive inheritance. Affected: yes.

PreventionGenetics, part of Exact Sciences
Classification: Benign. Review status: criteria provided, single submitter. Criteria: ACMG Guidelines, 2015. Collection method: clinical testing. Allele origin: germline.

Natera, Inc.
Classification: Benign for Alport syndrome. Last evaluated: 2020-09-16. Review status: no assertion criteria provided. Collection method: clinical testing. Allele origin: germline. Not counted in ClinVar's aggregate classification.

NM_000091.5(COL4A3):c.1452G>A (p.Gly484=)

Genes: COL4A3 (collagen type IV alpha 3 chain; plus strand), MFF-DT (MFF divergent transcript; minus strand). Cytogenetic location: 2q36.3.
Variant type: single nucleotide variant.
Coding change: c.1452G>A on transcript NM_000091.5 (MANE Select); coding-DNA position 1452, G replaced by A.
Protein change: p.Gly484=; no amino-acid change (glycine 484 retained).
Molecular consequence: synonymous variant.
Genome position (GRCh38, 1-based): chr2:227,267,036, G>A. VCF-style: chr2-227267036-G-A. GRCh37 (hg19) VCF-style: chr2-228131752-G-A.
Other names: p.Gly484=.
Identifiers: ClinVar variation 254982 (VCV000254982.27), dbSNP rs34019152, ClinGen allele CA2146662.